The following is an entry in ClinVar:

NM_004357.5(CD151):c.40G>A (p.Val14Ile)

Gene: CD151 (CD151 molecule (Raph blood group); plus strand). Cytogenetic location: 11p15.5.
Variant type: single nucleotide variant.
Coding change: c.40G>A on transcript NM_004357.5 (MANE Select); coding-DNA position 40, G replaced by A.
Protein change: p.Val14Ile; replaces valine 14 with isoleucine.
Molecular consequence: missense variant.
Genome position (GRCh38, 1-based): chr11:836,109, G>A. VCF-style: chr11-836109-G-A. GRCh37 (hg19) VCF-style: chr11-836109-G-A.
Other names: c.40G>A, p.Val14Ile (NM_001039490.2, NM_139029.2, NM_139030.4); short protein forms V14I.
Identifiers: ClinVar variation 3997975 (VCV003997975.2).
Genomic context (GRCh38, chr11:836,109, plus strand): 5'-CCCTGCCTCCTCAGCCCCAGGATGGGTGAGTTCAACGAGAAGAAGACAACATGTGGCACC[G>A]TTTGCCTCAAGTACCTGCTGTTTACCTACAATTGCTGCTTCTGGGTGAGGAGGGGTCGCC-3'
Protein context (NP_004348.2, residues 4-24): FNEKKTTCGT[Val14Ile]CLKYLLFTYN

ClinVar aggregate classification (germline): Uncertain significance. Review status: criteria provided, multiple submitters, no conflicts (2 of 4 stars). 2 submissions from 2 submitters: Uncertain significance (2). Last evaluated 2025-09-27.

Conditions:
Inborn genetic diseases. Identifiers: MedGen C0950123, MeSH D030342.

gnomAD v4.1: 22 of 1,612,796 alleles (0.0014%); highest among the groups gnomAD compares: East Asian, 0.018%; no homozygotes.

Submissions (2):

Labcorp Genetics (formerly Invitae), Labcorp
Classification: Uncertain significance. Last evaluated: 2025-09-27. Review status: criteria provided, single submitter. Criteria: Invitae Variant Classification Sherloc (09022015). Collection method: clinical testing. Allele origin: germline.
Comment: This sequence change replaces valine, which is neutral and non-polar, with isoleucine, which is neutral and non-polar, at codon 14 of the CD151 protein (p.Val14Ile). This variant is present in population databases (rs753428268, gnomAD 0.02%). This variant has not been reported in the literature in individuals affected with CD151-related conditions. ClinVar contains an entry for this variant (Variation ID: 3997975). An algorithm developed to predict the effect of missense changes on protein structure and function outputs the following: PolyPhen-2: "Benign". The isoleucine amino acid residue is found in multiple mammalian species, which suggests that this missense change does not adversely affect protein function. In summary, the available evidence is currently insufficient to determine the role of this variant in disease. Therefore, it has been classified as a Variant of Uncertain Significance.

Ambry Genetics
Classification: Uncertain significance for Inborn genetic diseases. Last evaluated: 2025-04-11. Review status: criteria provided, single submitter. Criteria: Ambry Variant Classification Scheme 2023. Collection method: clinical testing. Allele origin: germline.